The following is an entry in ClinVar:

NM_003664.5(AP3B1):c.929G>C (p.Ser310Thr)

Gene: AP3B1 (adaptor related protein complex 3 subunit beta 1; minus strand). Cytogenetic location: 5q14.1.
Variant type: single nucleotide variant.
Coding change: c.929G>C on transcript NM_003664.5 (MANE Select); coding-DNA position 929, G replaced by C.
Protein change: p.Ser310Thr; replaces serine 310 with threonine.
Molecular consequence: missense variant.
Genome position (GRCh38, 1-based): chr5:78,181,520, C>G on the plus strand (G>C on the coding strand, the complement: AP3B1 is on the minus strand). VCF-style: chr5-78181520-C-G. GRCh37 (hg19) VCF-style: chr5-77477344-C-G.
Other names: c.782G>C, p.Ser261Thr (NM_001271769.2); short protein forms S310T, S261T.
Identifiers: ClinVar variation 649684 (VCV000649684.8), dbSNP rs778226822, ClinGen allele CA3317259.

ClinVar aggregate classification (germline): Uncertain significance (1 of 4 stars; one submission).

Conditions:
Hermansky-Pudlak syndrome 2 (HPS2). Also called: Platelet defects and oculocutaneous albinism. Identifiers: Orphanet 183678, Orphanet 79430, MedGen C1842362, MONDO:0011997, OMIM 608233.

Allele frequency attached by ClinVar (database versions not stated): gnomAD 0.00001; gnomAD exomes 0.00001 and 0.00003; TOPMed 0.00002; ExAC 0.00005.
gnomAD v4.1: 15 of 1,612,752 alleles (0.00093%); highest among the groups gnomAD compares: Non-Finnish European, 0.0011%; no homozygotes.

Submission:

Labcorp Genetics (formerly Invitae), Labcorp
Classification: Uncertain significance for Hermansky-Pudlak syndrome 2. Last evaluated: 2023-08-16. Review status: criteria provided, single submitter. Criteria: Invitae Variant Classification Sherloc (09022015). Collection method: clinical testing. Allele origin: germline.
Comment: This sequence change replaces serine, which is neutral and polar, with threonine, which is neutral and polar, at codon 310 of the AP3B1 protein (p.Ser310Thr). This variant is present in population databases (rs778226822, gnomAD 0.006%). This variant has not been reported in the literature in individuals affected with AP3B1-related conditions. ClinVar contains an entry for this variant (Variation ID: 649684). An algorithm developed to predict the effect of missense changes on protein structure and function (PolyPhen-2) suggests that this variant is likely to be disruptive. In summary, the available evidence is currently insufficient to determine the role of this variant in disease. Therefore, it has been classified as a Variant of Uncertain Significance.